The following is an entry in ClinVar:

NM_002439.5(MSH3):c.2803A>G (p.Ile935Val)

Gene: MSH3 (mutS homolog 3; plus strand). Cytogenetic location: 5q14.1.
Variant type: single nucleotide variant.
Coding change: c.2803A>G on transcript NM_002439.5 (MANE Select); coding-DNA position 2803, A replaced by G.
Protein change: p.Ile935Val; replaces isoleucine 935 with valine.
Molecular consequence: missense variant.
Genome position (GRCh38, 1-based): chr5:80,813,731, A>G. VCF-style: chr5-80813731-A-G. GRCh37 (hg19) VCF-style: chr5-80109550-A-G.
Other names: short protein forms I935V.
Identifiers: ClinVar variation 661604 (VCV000661604.15), dbSNP rs1490213002, ClinGen allele CA360274104.

ClinVar aggregate classification (germline): Uncertain significance. Review status: criteria provided, multiple submitters, no conflicts (2 of 4 stars). 4 submissions from 4 submitters: Uncertain significance (4). Last evaluated 2026-01-31.

Conditions:
Hereditary cancer-predisposing syndrome. Also called: Neoplastic Syndromes, Hereditary; Tumor predisposition; Hereditary neoplastic syndrome; Hereditary Cancer Syndrome. Identifiers: Orphanet 140162, MedGen C0027672, MeSH D009386, MONDO:0015356.
Endometrial carcinoma. Also called: Endometrial carcinoma, somatic. Identifiers: MedGen C0476089, MONDO:0002447, OMIM 608089, HP:0012114.

Allele frequency attached by ClinVar (database versions not stated): gnomAD exomes below 0.00001; gnomAD 0.00001; TOPMed 0.00001.
gnomAD v4.1: 7 of 1,613,952 alleles (0.00043%); highest among the groups gnomAD compares: Non-Finnish European, 0.00051%; no homozygotes.

Submissions (4):

Labcorp Genetics (formerly Invitae), Labcorp
Classification: Uncertain significance. Last evaluated: 2026-01-31. Review status: criteria provided, single submitter. Criteria: Invitae Variant Classification Sherloc (09022015). Collection method: clinical testing. Allele origin: germline.
Comment: This sequence change replaces isoleucine, which is neutral and non-polar, with valine, which is neutral and non-polar, at codon 935 of the MSH3 protein (p.Ile935Val). This variant is present in population databases (no rsID available, gnomAD 0.0009%). This variant has not been reported in the literature in individuals affected with MSH3-related conditions. ClinVar contains an entry for this variant (Variation ID: 661604). An algorithm developed to predict the effect of missense changes on protein structure and function outputs the following: PolyPhen-2: "Benign". The valine amino acid residue is found in multiple mammalian species, which suggests that this missense change does not adversely affect protein function. In summary, the available evidence is currently insufficient to determine the role of this variant in disease. Therefore, it has been classified as a Variant of Uncertain Significance.

Ambry Genetics
Classification: Uncertain significance for Hereditary cancer-predisposing syndrome. Last evaluated: 2025-08-11. Review status: criteria provided, single submitter. Criteria: Ambry Variant Classification Scheme 2023. Collection method: clinical testing. Allele origin: germline.
Comment: The p.I935V variant (also known as c.2803A>G), located in coding exon 20 of the MSH3 gene, results from an A to G substitution at nucleotide position 2803. The isoleucine at codon 935 is replaced by valine, an amino acid with highly similar properties. This amino acid position is well conserved in available vertebrate species. In addition, this alteration is predicted to be tolerated by in silico analysis. Since supporting evidence is limited at this time, the clinical significance of this alteration remains unclear.

Baylor Genetics
Classification: Uncertain significance for Endometrial carcinoma. Last evaluated: 2023-08-25. Review status: criteria provided, single submitter. Criteria: ACMG Guidelines, 2015. Collection method: clinical testing. Allele origin: unknown.

Quest Diagnostics Nichols Institute San Juan Capistrano
Classification: Uncertain significance. Last evaluated: 2022-10-22. Review status: criteria provided, single submitter. Criteria: Quest Diagnostics criteria. Collection method: clinical testing. Allele origin: unknown.
Comment: The variant has not been reported in the published literature. The frequency of this variant in the general population, 0.000004 (1/251456 chromosomes), is uninformative in assessment of its pathogenicity. Analysis of this variant using bioinformatics tools for the prediction of the effect of amino acid changes on protein structure and function yielded predictions that this variant is benign. Based on the available information, we are unable to determine the clinical significance of this variant.